The following is an entry in ClinVar:

NM_005045.4(RELN):c.7909C>A (p.Arg2637Ser)

Gene: RELN (reelin; minus strand). Cytogenetic location: 7q22.1.
Variant type: single nucleotide variant.
Coding change: c.7909C>A on transcript NM_005045.4 (MANE Select); coding-DNA position 7909, C replaced by A.
Protein change: p.Arg2637Ser; replaces arginine 2637 with serine.
Molecular consequence: missense variant.
Genome position (GRCh38, 1-based): chr7:103,515,395, G>T on the plus strand (C>A on the coding strand, the complement: RELN is on the minus strand). VCF-style: chr7-103515395-G-T. GRCh37 (hg19) VCF-style: chr7-103155842-G-T.
Other names: c.7909C>A, p.Arg2637Ser (NM_173054.3); short protein forms R2637S.
Identifiers: ClinVar variation 2926400 (VCV002926400.3), dbSNP rs587780438, ClinGen allele CA4420609.
Genomic context (GRCh38, chr7:103,515,395, plus strand): 5'-TGTCAATGGCCCAGTCGTTCTGATCCAGGCCGTCATGTCTTGGCTGCCACCAGCGGAAGC[G>T]AGTGGCAATCTCTTTAGCATCAGGAGGGAGAAGGATATTCACAAATCTATAGGAAAATGA-3'
Protein context (NP_005036.2, residues 2627-2647): LPPDAKEIAT[Arg2637Ser]FRWWQPRHDG

ClinVar aggregate classification (germline): Uncertain significance (1 of 4 stars; one submission).

Conditions:
Norman-Roberts syndrome (LIS2). Also called: Lissencephaly 2 (Norman-Roberts type). Identifiers: Orphanet 89844, MedGen C0796089, MONDO:0009760, OMIM 257320.
Familial temporal lobe epilepsy 7. Identifiers: Orphanet 101046, MedGen C4225327, MONDO:0014639, OMIM 616436.

Allele frequency attached by ClinVar (database versions not stated): ExAC 0.00001.
gnomAD v4.1: 1 of 1,614,032 alleles (0.000062%); highest among the groups gnomAD compares: South Asian, 0.0011%; no homozygotes.

Submission:

Labcorp Genetics (formerly Invitae), Labcorp
Classification: Uncertain significance for Familial temporal lobe epilepsy 7; Norman-Roberts syndrome. Last evaluated: 2023-02-14. Review status: criteria provided, single submitter. Criteria: Invitae Variant Classification Sherloc (09022015). Collection method: clinical testing. Allele origin: germline.
Comment: This sequence change replaces arginine, which is basic and polar, with serine, which is neutral and polar, at codon 2637 of the RELN protein (p.Arg2637Ser). This variant is present in population databases (rs587780438, gnomAD 0.003%). This variant has not been reported in the literature in individuals affected with RELN-related conditions. Advanced modeling of protein sequence and biophysical properties (such as structural, functional, and spatial information, amino acid conservation, physicochemical variation, residue mobility, and thermodynamic stability) performed at Invitae indicates that this missense variant is not expected to disrupt RELN protein function. In summary, the available evidence is currently insufficient to determine the role of this variant in disease. Therefore, it has been classified as a Variant of Uncertain Significance.